The following is an entry in ClinVar:

ClinVar aggregate classification (germline): Pathogenic. Review status: criteria provided, multiple submitters, no conflicts (2 of 4 stars). 2 submissions from 2 submitters: Pathogenic (2). Last evaluated 2024-08-18.

Conditions:
Neurofibromatosis, type 2 (SWNV). Also called: SCHWANNOMATOSIS, VESTIBULAR; NF2-Related Schwannomatosis; BILATERAL ACOUSTIC NEUROFIBROMATOSIS. Identifiers: Orphanet 637, MedGen C0027832, MONDO:0007039, OMIM 101000. Disease mechanism: loss of function.

Submissions (2):

ENT and Head and Neck Research Center and Department,  The Five Senses Health Institute, Iran University of Medical Sciences
Classification: Pathogenic for Neurofibromatosis, type 2. Last evaluated: 2024-08-18. Review status: criteria provided, single submitter. Criteria: ACMG Guidelines, 2015. Collection method: clinical testing. Allele origin: de novo. Affected: yes.
Comment: PVS1: Null variant (nonsense) in gene NF2, predicted to cause NMD. Loss-of-function is a known mechanism of disease (gene has 273 reported pathogenic LOF variants). The exon contains 22 pathogenic variants. The truncated region contains 72 pathogenic variants., PP5: Combined evidence strength is Moderate (score = 2).Moderate: ClinVar classifies this variant as Pathogenic, 1 star (reviewed Nov '22, 1 submission of which 1 is from high confidence submitter)., PM2: Combined evidence strength is Moderate (score = 2).Moderate: ClinVar classifies this variant as Pathogenic, 1 star (reviewed Nov '22, 1 submission of which 1 is from high confidence submitter).

GeneDx
Classification: Pathogenic. Last evaluated: 2017-06-19. Review status: criteria provided, single submitter. Criteria: GeneDx Variant Classification (06012015). Collection method: clinical testing. Allele origin: germline. Affected: yes.
Comment: The Q410X nonsense variant has been reported previously as a mosaic variant in association with neurofibromatosis type 2 (Kluwe et al., 2003; Evans et al., 2005). This variant is predicted to cause loss of normal protein function either through protein truncation or nonsense-mediated mRNA decay. The variant is not observed in large population cohorts (Lek et al., 2016; 1000 Genomes Consortium et al., 2015; Exome Variant Server). In summary, we consider this variant to be pathogenic.

Literature cited by the submitters: PubMed 31024808 (cited by ENT and Head and Neck Research Center and Department,  The Five Senses Health Institute, Iran University of Medical Sciences); PubMed 40249415 (cited by ENT and Head and Neck Research Center and Department,  The Five Senses Health Institute, Iran University of Medical Sciences).

NM_000268.4(NF2):c.1228C>T (p.Gln410Ter)

Gene: NF2 (NF2, moesin-ezrin-radixin like (MERLIN) tumor suppressor; plus strand). Cytogenetic location: 22q12.2.
Variant type: single nucleotide variant.
Coding change: c.1228C>T on transcript NM_000268.4 (MANE Select); coding-DNA position 1228, C replaced by T.
Protein change: p.Gln410Ter; replaces glutamine 410 with a stop codon.
Molecular consequence: nonsense. On other transcripts: non-coding transcript variant (1), intron variant (1).
Genome position (GRCh38, 1-based): chr22:29,673,374, C>T. VCF-style: chr22-29673374-C-T. GRCh37 (hg19) VCF-style: chr22-30069363-C-T.
Other names: c.1228C>T, p.Gln410Ter (NM_016418.5, NM_181825.3, NM_181832.3); c.1102C>T, p.Gln368Ter (NM_181828.3); c.1105C>T, p.Gln369Ter (NM_181829.3); c.979C>T, p.Gln327Ter (NM_181830.3, NM_181831.3); c.448-21378C>T (NM_181833.3); short protein forms Q410*, Q368*, Q369*, Q327*.
Identifiers: ClinVar variation 431979 (VCV000431979.3), dbSNP rs1556000842, ClinGen allele CA411148247.